The following is an entry in ClinVar:

NM_018671.5(UNC45A):c.1631G>A (p.Arg544Gln)

Gene: UNC45A (unc-45 myosin chaperone A; plus strand). Cytogenetic location: 15q26.1.
Variant type: single nucleotide variant.
Coding change: c.1631G>A on transcript NM_018671.5 (MANE Select); coding-DNA position 1631, G replaced by A.
Protein change: p.Arg544Gln; replaces arginine 544 with glutamine.
Molecular consequence: missense variant.
Genome position (GRCh38, 1-based): chr15:90,948,177, G>A. VCF-style: chr15-90948177-G-A. GRCh37 (hg19) VCF-style: chr15-91491407-G-A.
Other names: c.1586G>A, p.Arg529Gln (NM_001039675.2, NM_001323621.2); c.1631G>A, p.Arg544Gln (NM_001323619.1); c.1196G>A, p.Arg399Gln (NM_001323620.2); c.1631G>A (NM_018671.3); short protein forms R544Q, R399Q, R529Q.
Identifiers: ClinVar variation 1378362 (VCV001378362.4), dbSNP rs138844927, ClinGen allele CA7742998.

ClinVar aggregate classification (germline): Uncertain significance. Review status: criteria provided, multiple submitters, no conflicts (2 of 4 stars). 2 submissions from 2 submitters: Uncertain significance (2). Last evaluated 2025-05-06.

Conditions:
Inborn genetic diseases. Identifiers: MedGen C0950123, MeSH D030342.

Allele frequency attached by ClinVar (database versions not stated): ExAC 0.00002; gnomAD 0.00001; gnomAD exomes 0.00002; ESP Exome Variant Server 0.00008; 1000 Genomes Project 30x 0.00016; 1000 Genomes Project 0.00020; TOPMed 0.00002.
gnomAD v4.1: 30 of 1,614,146 alleles (0.0019%); highest among the groups gnomAD compares: East Asian, 0.0067%; no homozygotes.

Submissions (2):

Ambry Genetics
Classification: Uncertain significance for Inborn genetic diseases. Last evaluated: 2025-05-06. Review status: criteria provided, single submitter. Criteria: Ambry Variant Classification Scheme 2023. Collection method: clinical testing. Allele origin: germline.

Labcorp Genetics (formerly Invitae), Labcorp
Classification: Uncertain significance. Last evaluated: 2022-03-28. Review status: criteria provided, single submitter. Criteria: Invitae Variant Classification Sherloc (09022015). Collection method: clinical testing. Allele origin: germline.
Comment: This sequence change replaces arginine, which is basic and polar, with glutamine, which is neutral and polar, at codon 544 of the UNC45A protein (p.Arg544Gln). This variant is present in population databases (rs138844927, gnomAD 0.008%). This variant has not been reported in the literature in individuals affected with UNC45A-related conditions. Algorithms developed to predict the effect of missense changes on protein structure and function are either unavailable or do not agree on the potential impact of this missense change (SIFT: "Not Available"; PolyPhen-2: "Possibly Damaging"; Align-GVGD: "Not Available"). In summary, the available evidence is currently insufficient to determine the role of this variant in disease. Therefore, it has been classified as a Variant of Uncertain Significance.